The following is an entry in ClinVar:

ClinVar aggregate classification (germline): Uncertain significance. Review status: criteria provided, single submitter (1 of 4 stars). 2 submissions from 2 submitters: Uncertain significance (1). 1 of the submissions does not count toward it. Last evaluated 2021-04-16.

Conditions:
TUB-related disorder. Also called: TUB-related condition.

Allele frequency attached by ClinVar (database versions not stated): TOPMed 0.00001; gnomAD 0.00002.
gnomAD v4.1: 46 of 1,613,762 alleles (0.0029%); highest among the groups gnomAD compares: East Asian, 0.053%; no homozygotes.

Submissions (2):

Blueprint Genetics
Classification: Uncertain significance. Last evaluated: 2021-04-16. Review status: criteria provided, single submitter. Criteria: ACMG Guidelines, 2015. Collection method: clinical testing. Allele origin: germline.

PreventionGenetics, part of Exact Sciences
Classification: Uncertain significance for TUB-related condition. Last evaluated: 2024-06-25. Review status: no assertion criteria provided. Collection method: clinical testing. Allele origin: germline. Not counted in ClinVar's aggregate classification.
Comment: The TUB c.526G>A variant is predicted to result in the amino acid substitution p.Gly176Ser. This variant was reported in the homozygous state in an individual with autosomal recessive retinitis pigmentosa; however, this individual also carried a homozygous nonsense variant in a retinitis pigmentosa-associated gene (described as p.Gly121Ser, Mizobuchi et al. 2019. PubMed ID: 30619975). This variant is reported in 0.014% of alleles in individuals of Latino descent in gnomAD. At this time, the clinical significance of this variant is uncertain due to the absence of conclusive functional and genetic evidence.

NM_177972.3(TUB):c.361G>A (p.Gly121Ser)

Genes: RIC3 (RIC3 acetylcholine receptor chaperone; minus strand), TUB (TUB bipartite transcription factor; plus strand). Cytogenetic location: 11p15.4.
Variant type: single nucleotide variant.
Coding change: c.361G>A on transcript NM_177972.3 (MANE Select); coding-DNA position 361, G replaced by A.
Protein change: p.Gly121Ser; replaces glycine 121 with serine.
Molecular consequence: missense variant. On other transcripts: non-coding transcript variant (1).
Genome position (GRCh38, 1-based): chr11:8,094,153, G>A. VCF-style: chr11-8094153-G-A. GRCh37 (hg19) VCF-style: chr11-8115700-G-A.
Other names: c.526G>A, p.Gly176Ser (NM_003320.5); short protein forms G121S, G176S.
Identifiers: ClinVar variation 2636155 (VCV002636155.4), dbSNP rs768447598, ClinGen allele CA5871048.